The following is an entry in ClinVar:

ClinVar aggregate classification (germline): Uncertain significance. Review status: criteria provided, multiple submitters, no conflicts (2 of 4 stars). 4 submissions from 4 submitters: Uncertain significance (4). Last evaluated 2025-12-27.

Conditions:
PLEC-related disorder. Also called: PLEC-related condition; PLEC-related disorders.
Epidermolysis bullosa simplex 5C, with pyloric atresia (EBS5C). Also called: PLEC-Related Epidermolysis Bullosa with Pyloric Atresia; Epidermolysis bullosa simplex with pyloric atresia; PLEC1-Related Epidermolysis Bullosa with Pyloric Atresia. Identifiers: Orphanet 158684, MedGen C2677349, MONDO:0012807, OMIM 612138.
Epidermolysis bullosa simplex 5B, with muscular dystrophy (EBS5B). Also called: EPIDERMOLYSIS BULLOSA SIMPLEX AND LIMB-GIRDLE MUSCULAR DYSTROPHY; Epidermolysis bullosa simplex with muscular dystrophy. Identifiers: Orphanet 257, MedGen C2931072, MONDO:0009181, OMIM 226670.
Epidermolysis bullosa simplex with nail dystrophy (EBS5D). Identifiers: MedGen C4225309, MONDO:0014661, OMIM 616487.
Epidermolysis bullosa simplex, Ogna type (EBS5A). Also called: Pidermolysis bullosa simplex 5A, Ogna type; EPIDERMOLYSIS BULLOSA SIMPLEX 5A, OGNA TYPE. Identifiers: Orphanet 79401, MedGen C0432317, MONDO:0007555, OMIM 131950.
Autosomal recessive limb-girdle muscular dystrophy type 2Q (LGMDR17). Also called: MUSCULAR DYSTROPHY, LIMB-GIRDLE, AUTOSOMAL RECESSIVE 17. Identifiers: Orphanet 254361, MedGen C3150989, MONDO:0013390, OMIM 613723.
Inborn genetic diseases. Identifiers: MedGen C0950123, MeSH D030342.

Allele frequency attached by ClinVar (database versions not stated): TOPMed 0.00003; gnomAD 0.00005; gnomAD exomes 0.00001 and 0.00002; ExAC 0.00002.
gnomAD v4.1: 23 of 1,613,012 alleles (0.0014%); highest among the groups gnomAD compares: Admixed American, 0.035%; no homozygotes.

Submissions (4):

Labcorp Genetics (formerly Invitae), Labcorp
Classification: Uncertain significance for Autosomal recessive limb-girdle muscular dystrophy type 2Q; Epidermolysis bullosa simplex, Ogna type; Epidermolysis bullosa simplex with nail dystrophy; Epidermolysis bullosa simplex 5C, with pyloric atresia; Epidermolysis bullosa simplex 5B, with muscular dystrophy. Last evaluated: 2025-12-27. Review status: criteria provided, single submitter. Criteria: Invitae Variant Classification Sherloc (09022015). Collection method: clinical testing. Allele origin: germline.
Comment: This sequence change replaces proline, which is neutral and non-polar, with serine, which is neutral and polar, at codon 3269 of the PLEC protein (p.Pro3269Ser). This variant is present in population databases (rs782376110, gnomAD 0.02%). This variant has not been reported in the literature in individuals affected with PLEC-related conditions. ClinVar contains an entry for this variant (Variation ID: 805219). An algorithm developed to predict the effect of missense changes on protein structure and function (PolyPhen-2) suggests that this variant is likely to be disruptive. In summary, the available evidence is currently insufficient to determine the role of this variant in disease. Therefore, it has been classified as a Variant of Uncertain Significance.

PreventionGenetics, part of Exact Sciences
Classification: Uncertain significance for PLEC-related condition. Last evaluated: 2025-11-26. Review status: criteria provided, single submitter. Criteria: ACMG Guidelines, 2015. Collection method: clinical testing. Allele origin: germline.
Comment: The PLEC c.9805C>T variant is predicted to result in the amino acid substitution p.Pro3269Ser. To our knowledge, this variant has not been reported in the literature. This variant is reported in 0.017% of alleles in individuals of Latino descent in gnomAD. At this time, the clinical significance of this variant is uncertain due to the absence of conclusive functional and genetic evidence.

Ambry Genetics
Classification: Uncertain significance for Inborn genetic diseases. Last evaluated: 2021-09-17. Review status: criteria provided, single submitter. Criteria: Ambry Variant Classification Scheme 2023. Collection method: clinical testing. Allele origin: germline.

Athena Diagnostics
Classification: Uncertain significance. Last evaluated: 2018-08-24. Review status: criteria provided, single submitter. Criteria: Athena Diagnostics Criteria. Collection method: clinical testing. Allele origin: germline.

NM_201384.3(PLEC):c.9724C>T (p.Pro3242Ser)

Gene: PLEC (plectin; minus strand). Cytogenetic location: 8q24.3.
Variant type: single nucleotide variant.
Coding change: c.9724C>T on transcript NM_201384.3 (MANE Select); coding-DNA position 9724, C replaced by T.
Protein change: p.Pro3242Ser; replaces proline 3242 with serine.
Molecular consequence: missense variant.
Genome position (GRCh38, 1-based): chr8:143,920,097, G>A on the plus strand (C>T on the coding strand, the complement: PLEC is on the minus strand). VCF-style: chr8-143920097-G-A. GRCh37 (hg19) VCF-style: chr8-144994265-G-A.
Other names: c.9805C>T, p.Pro3269Ser (NM_000445.5); c.9682C>T, p.Pro3228Ser (NM_201378.4); c.9658C>T, p.Pro3220Ser (NM_201379.3); c.10135C>T, p.Pro3379Ser (NM_201380.4); c.9628C>T, p.Pro3210Ser (NM_201381.3); c.9724C>T, p.Pro3242Ser (NM_201382.4); c.9736C>T, p.Pro3246Ser (NM_201383.3); short protein forms P3242S, P3379S, P3210S, P3228S, P3246S, P3220S, P3269S.
Identifiers: ClinVar variation 805219 (VCV000805219.13), dbSNP rs782376110, ClinGen allele CA4924874.